The following is an entry in ClinVar:

ClinVar aggregate classification (germline): Pathogenic (1 of 4 stars; one submission).

Submission:

GeneDx
Classification: Pathogenic. Last evaluated: 2012-08-16. Review status: criteria provided, single submitter. Criteria: GeneDx Variant Classification (06012015). Collection method: clinical testing. Allele origin: germline. Affected: yes.
Comment: p.Gly806Ala (GGG>GCG):c.2417 G>C in exon 10 of the KCNH2 gene (NM_000238.2)The Gly806Ala variant in the KCNH2 gene has not been reported as a disease-causing mutation or as a benign polymorphism to our knowledge. Another mutation affecting the same residue (Gly806Glu), and mutations affecting a neighboring residue (Phe805Ser, Phe805Cys) have been reported in association with LQTS (Kapplinger J et al., 2009). However, Gly806Ala results in a conservative amino acid substitution of one non-polar residue for another, questioning the clinical significance of this variant. Nevertheless, the NHLBI ESP Exome Variant Server reports Gly806Ala was not observed in approximately 6,400 samples from individuals of European and African American backgrounds, indicating it is not a common benign variant in these populations. In summary, while Gly806Ala is a good candidate for a disease-causing mutation, with the clinical and molecular information available at this time we cannot unequivocally determine the clinical significance of this variant. The variant is found in LQT panel(s).

NM_000238.4(KCNH2):c.2417G>C (p.Gly806Ala)

Gene: KCNH2 (potassium voltage-gated channel subfamily H member 2; minus strand). Cytogenetic location: 7q36.1.
Variant type: single nucleotide variant.
Coding change: c.2417G>C on transcript NM_000238.4 (MANE Select); coding-DNA position 2417, G replaced by C.
Protein change: p.Gly806Ala; replaces glycine 806 with alanine.
Molecular consequence: missense variant. On other transcripts: non-coding transcript variant (2).
Genome position (GRCh38, 1-based): chr7:150,949,031, C>G on the plus strand (G>C on the coding strand, the complement: KCNH2 is on the minus strand). VCF-style: chr7-150949031-C-G. GRCh37 (hg19) VCF-style: chr7-150646119-C-G.
Other names: p.G806A:GGG>GCG; c.2129G>C, p.Gly710Ala (NM_001406753.1); c.1397G>C, p.Gly466Ala (NM_172057.3); short protein forms G466A, G806A, G710A.
Identifiers: ClinVar variation 200453 (VCV000200453.4), dbSNP rs199473000, ClinGen allele CA006729.